The following is an entry in ClinVar:

ClinVar aggregate classification (germline): Uncertain significance (1 of 4 stars; one submission).

Conditions:
Upshaw-Schulman syndrome (TTP). Also called: THROMBOTIC THROMBOCYTOPENIC PURPURA, HEREDITARY; Congenital thrombotic thrombocytopenic purpura. Identifiers: Orphanet 93583, MedGen C1268935, MONDO:0010122, OMIM 274150.

gnomAD v4.1: 30 of 1,605,820 alleles (0.0019%); highest among the groups gnomAD compares: Non-Finnish European, 0.0023%; no homozygotes.

Submission:

3billion
Classification: Uncertain significance for Upshaw-Schulman syndrome. Last evaluated: 2025-05-23. Review status: criteria provided, single submitter. Criteria: ACMG Guidelines, 2015. Collection method: clinical testing. Allele origin: germline. Affected: yes.
Comment: The variant is observed at an extremely low frequency in the gnomAD v4.1.0 dataset (total allele frequency: 0.002%). Predicted Consequence/Location: Intron variant In silico tools predict the variant to alter splicing and produce an abnormal transcript [SpliceAI: 0.37 (>=0.2, moderate evidence for spliceogenicity)]. Therefore, this variant is classified as VUS according to the recommendation of ACMG/AMP guideline.

NM_139027.6(ADAMTS13):c.3548-40C>T

Gene: ADAMTS13 (ADAM metallopeptidase with thrombospondin type 1 motif 13; plus strand). Cytogenetic location: 9q34.2.
Variant type: single nucleotide variant.
Coding change: c.3548-40C>T on transcript NM_139027.6 (MANE Select); 40 bases into the intron before coding-DNA position 3548, C replaced by T.
Molecular consequence: intron variant.
Genome position (GRCh38, 1-based): chr9:133,456,503, C>T. VCF-style: chr9-133456503-C-T. GRCh37 (hg19) VCF-style: chr9-136321625-C-T.
Other names: c.3716-40C>T (NM_139025.5); c.3455-40C>T (NM_139026.6).
Identifiers: ClinVar variation 4855325 (VCV004855325.1).